The following is an entry in ClinVar:

ClinVar aggregate classification (germline): Uncertain significance (1 of 4 stars; one submission).

Conditions:
Fanconi anemia (FA). Also called: Fanconi's anemia. Identifiers: Orphanet 84, MedGen C0015625, MeSH D005199, MONDO:0019391.

Submission:

Labcorp Genetics (formerly Invitae), Labcorp
Classification: Uncertain significance for Fanconi anemia. Last evaluated: 2021-11-10. Review status: criteria provided, single submitter. Criteria: Invitae Variant Classification Sherloc (09022015). Collection method: clinical testing. Allele origin: germline.
Comment: This variant is not present in population databases (gnomAD no frequency). This sequence change replaces proline, which is neutral and non-polar, with glutamine, which is neutral and polar, at codon 212 of the FANCF protein (p.Pro212Gln). This variant has not been reported in the literature in individuals affected with FANCF-related conditions. In summary, the available evidence is currently insufficient to determine the role of this variant in disease. Therefore, it has been classified as a Variant of Uncertain Significance. Algorithms developed to predict the effect of missense changes on protein structure and function are either unavailable or do not agree on the potential impact of this missense change (SIFT: "Tolerated"; PolyPhen-2: "Probably Damaging"; Align-GVGD: "Class C0").

NM_022725.4(FANCF):c.635C>A (p.Pro212Gln)

Gene: FANCF (FA complementation group F; minus strand). Cytogenetic location: 11p14.3.
Variant type: single nucleotide variant.
Coding change: c.635C>A on transcript NM_022725.4 (MANE Select); coding-DNA position 635, C replaced by A.
Protein change: p.Pro212Gln; replaces proline 212 with glutamine.
Molecular consequence: missense variant.
Genome position (GRCh38, 1-based): chr11:22,625,176, G>T on the plus strand (C>A on the coding strand, the complement: FANCF is on the minus strand). VCF-style: chr11-22625176-G-T. GRCh37 (hg19) VCF-style: chr11-22646722-G-T.
Other names: short protein forms P212Q.
Identifiers: ClinVar variation 1473305 (VCV001473305.6), dbSNP rs1590541259, ClinGen allele CA380058636.